The following is an entry in ClinVar:

NM_000264.5(PTCH1):c.2050G>C (p.Glu684Gln)

Genes: PTCH1 (patched 1; minus strand), LOC100507346 (uncharacterized LOC100507346; plus strand). Cytogenetic location: 9q22.32.
Variant type: single nucleotide variant.
Coding change: c.2050G>C on transcript NM_000264.5 (MANE Select); coding-DNA position 2050, G replaced by C.
Protein change: p.Glu684Gln; replaces glutamic acid 684 with glutamine.
Molecular consequence: missense variant. On other transcripts: non-coding transcript variant (2).
Genome position (GRCh38, 1-based): chr9:95,468,951, C>G on the plus strand (G>C on the coding strand, the complement: PTCH1 is on the minus strand). VCF-style: chr9-95468951-C-G. GRCh37 (hg19) VCF-style: chr9-98231233-C-G.
Other names: c.1852G>C, p.Glu618Gln (NM_001083602.3); c.2047G>C, p.Glu683Gln (NM_001083603.3); c.1597G>C, p.Glu533Gln (NM_001083604.3, NM_001083605.3, NM_001083606.3 and 1 more transcripts); c.1894G>C, p.Glu632Gln (NM_001354918.2); short protein forms E683Q, E684Q, E533Q, E618Q, E632Q.
Identifiers: ClinVar variation 2082420 (VCV002082420.7), dbSNP rs62637629, ClinGen allele CA374115763.

ClinVar aggregate classification (germline): Uncertain significance. Review status: criteria provided, multiple submitters, no conflicts (2 of 4 stars). 2 submissions from 2 submitters: Uncertain significance (2). Last evaluated 2025-08-23.

Conditions:
Hereditary cancer-predisposing syndrome. Also called: Hereditary Cancer Syndrome; Hereditary neoplastic syndrome; Neoplastic Syndromes, Hereditary; Tumor predisposition. Identifiers: Orphanet 140162, MedGen C0027672, MeSH D009386, MONDO:0015356.
Gorlin syndrome. Also called: Nevoid Basal Cell Carcinoma Syndrome; Basal cell nevus syndrome. Identifiers: Orphanet 377, MedGen C0004779, MONDO:0007187.

Submissions (2):

Ambry Genetics
Classification: Uncertain significance for Hereditary cancer-predisposing syndrome. Last evaluated: 2025-08-23. Review status: criteria provided, single submitter. Criteria: Ambry Variant Classification Scheme 2023. Collection method: clinical testing. Allele origin: germline.
Comment: The p.E684Q variant (also known as c.2050G>C), located in coding exon 14 of the PTCH1 gene, results from a G to C substitution at nucleotide position 2050. The glutamic acid at codon 684 is replaced by glutamine, an amino acid with highly similar properties. This amino acid position is well conserved in available vertebrate species. In addition, this alteration is predicted to be tolerated by in silico analysis. Since supporting evidence is limited at this time, the clinical significance of this alteration remains unclear.

Labcorp Genetics (formerly Invitae), Labcorp
Classification: Uncertain significance for Gorlin syndrome. Last evaluated: 2025-02-19. Review status: criteria provided, single submitter. Criteria: Invitae Variant Classification Sherloc (09022015). Collection method: clinical testing. Allele origin: germline.
Comment: This sequence change replaces glutamic acid, which is acidic and polar, with glutamine, which is neutral and polar, at codon 684 of the PTCH1 protein (p.Glu684Gln). This variant is not present in population databases (gnomAD no frequency). This variant has not been reported in the literature in individuals affected with PTCH1-related conditions. ClinVar contains an entry for this variant (Variation ID: 2082420). Invitae Evidence Modeling of protein sequence and biophysical properties (such as structural, functional, and spatial information, amino acid conservation, physicochemical variation, residue mobility, and thermodynamic stability) indicates that this missense variant is not expected to disrupt PTCH1 protein function with a negative predictive value of 95%. In summary, the available evidence is currently insufficient to determine the role of this variant in disease. Therefore, it has been classified as a Variant of Uncertain Significance.